The following is an entry in ClinVar:

ClinVar aggregate classification (germline): Pathogenic/Likely pathogenic. Review status: criteria provided, multiple submitters, no conflicts (2 of 4 stars). 3 submissions from 3 submitters: Pathogenic (2); Likely pathogenic (1). Last evaluated 2025-02-07.

Conditions:
Hereditary spastic paraplegia 4. Also called: Spastic paraplegia 4, autosomal dominant; Spastic Paraplegia 4; Familial spastic paraplegia autosomal dominant 2. Identifiers: Orphanet 100985, MedGen C1866855, MONDO:0008438, OMIM 182601.

Submissions (3):

Labcorp Genetics (formerly Invitae), Labcorp
Classification: Pathogenic for Hereditary spastic paraplegia 4. Last evaluated: 2025-02-07. Review status: criteria provided, single submitter. Criteria: Invitae Variant Classification Sherloc (09022015). Collection method: clinical testing. Allele origin: germline.
Comment: This sequence change creates a premature translational stop signal (p.Ile328Asnfs*4) in the SPAST gene. It is expected to result in an absent or disrupted protein product. Loss-of-function variants in SPAST are known to be pathogenic (PMID: 20932283). This variant is not present in population databases (gnomAD no frequency). This variant has not been reported in the literature in individuals affected with SPAST-related conditions. ClinVar contains an entry for this variant (Variation ID: 2444069). For these reasons, this variant has been classified as Pathogenic.

Athena Diagnostics
Classification: Pathogenic. Last evaluated: 2025-01-17. Review status: criteria provided, single submitter. Criteria: Athena Diagnostics Criteria. Collection method: clinical testing. Allele origin: unknown.
Comment: This variant is expected to result in the loss of a functional protein. This variant has not been reported in large, multi-ethnic general populations. This variant has been identified in at least one individual with clinical features associated with this gene.

3billion
Classification: Likely pathogenic for Hereditary spastic paraplegia 4. Last evaluated: 2023-02-23. Review status: criteria provided, single submitter. Criteria: ACMG Guidelines, 2015. Collection method: clinical testing. Allele origin: unknown. Affected: yes.
Comment: The variant is not observed in the gnomAD v2.1.1 dataset. This variant was predicted to result in a loss or disruption of normal protein function through nonsense-mediated decay (NMD) or protein truncation. Multiple pathogenic variants are reported downstream of the variant. Therefore, this variant is classified as Likely pathogenic according to the recommendation of ACMG/AMP guideline.

Literature cited by the submitters: PubMed 20932283 (cited by Labcorp Genetics (formerly Invitae), Labcorp).

NM_014946.4(SPAST):c.982dup (p.Ile328fs)

Gene: SPAST (spastin; plus strand). Cytogenetic location: 2p22.3.
Variant type: Duplication.
Coding change: c.982dup on transcript NM_014946.4 (MANE Select); coding-DNA position 982, one base duplicated (A; older notation c.982dupA).
Protein change: p.Ile328fs; shifts the reading frame from isoleucine 328.
Molecular consequence: frameshift variant.
Genome position (GRCh38, 1-based): chr2:32,115,813, A duplicated. VCF-style (leftmost placement, unchanged base first): chr2-32115812-T-TA. GRCh37 (hg19) VCF-style: chr2-32340881-T-TA.
Other names: c.979dup, p.Ile327fs (NM_001363823.2); c.883dup, p.Ile295fs (NM_001363875.2); c.886dup, p.Ile296fs (NM_001377959.1, NM_199436.2); short protein forms I295fs, I296fs, I327fs, I328fs.
Identifiers: ClinVar variation 2444069 (VCV002444069.3), dbSNP rs2465838759, ClinGen allele CA2580066390.